The following is an entry in ClinVar:

ClinVar aggregate classification (germline): Conflicting classifications of pathogenicity. Review status: criteria provided, conflicting classifications (1 of 4 stars). 2 submissions from 2 submitters: Uncertain significance (1); Likely benign (1). Last evaluated 2024-10-08.

Conditions:
Brugada syndrome. Also called: Sudden unexpected nocturnal death syndrome; Sudden Unexplained Death Syndrome; Sudden Unexplained Nocturnal Death Syndrome (SUNDS); Sudden unexplained nocturnal death syndrome. Identifiers: Orphanet 130, MedGen C1142166, MONDO:0015263.
Cardiovascular phenotype. Identifiers: MedGen CN230736.

Allele frequency attached by ClinVar (database versions not stated): TOPMed below 0.00001; gnomAD exomes 0.00001; ExAC 0.00002.
gnomAD v4.1: 8 of 1,480,008 alleles (0.00054%); highest among the groups gnomAD compares: Admixed American, 0.0033%; no homozygotes.

Submissions (2):

Ambry Genetics
Classification: Likely benign for Cardiovascular phenotype. Last evaluated: 2024-10-08. Review status: criteria provided, single submitter. Criteria: Ambry Variant Classification Scheme 2023. Collection method: clinical testing. Allele origin: germline.

Labcorp Genetics (formerly Invitae), Labcorp
Classification: Uncertain significance for Brugada syndrome. Last evaluated: 2022-06-13. Review status: criteria provided, single submitter. Criteria: Invitae Variant Classification Sherloc (09022015). Collection method: clinical testing. Allele origin: germline.
Comment: This sequence change affects codon 579 of the CACNA2D1 mRNA. It is a 'silent' change, meaning that it does not change the encoded amino acid sequence of the CACNA2D1 protein. It affects a nucleotide within the consensus splice site. This variant is present in population databases (rs777197885, gnomAD 0.006%). This variant has not been reported in the literature in individuals affected with CACNA2D1-related conditions. Algorithms developed to predict the effect of sequence changes on RNA splicing suggest that this variant may disrupt the consensus splice site. In summary, the available evidence is currently insufficient to determine the role of this variant in disease. Therefore, it has been classified as a Variant of Uncertain Significance.

NM_000722.4(CACNA2D1):c.1735A>C (p.Arg579=)

Gene: CACNA2D1 (calcium voltage-gated channel auxiliary subunit alpha2delta 1; minus strand). Cytogenetic location: 7q21.11.
Variant type: single nucleotide variant.
Coding change: c.1735A>C on transcript NM_000722.4 (MANE Select); coding-DNA position 1735, A replaced by C.
Protein change: p.Arg579=; no amino-acid change (arginine 579 retained).
Molecular consequence: synonymous variant.
Genome position (GRCh38, 1-based): chr7:81,991,246, T>G on the plus strand (A>C on the coding strand, the complement: CACNA2D1 is on the minus strand). VCF-style: chr7-81991246-T-G. GRCh37 (hg19) VCF-style: chr7-81620562-T-G.
Other names: c.1792A>C, p.Arg598= (NM_001366867.1).
Identifiers: ClinVar variation 2415525 (VCV002415525.8), dbSNP rs777197885, ClinGen allele CA4317915.